The following is an entry in ClinVar:

NM_015662.3(IFT172):c.4988C>T (p.Pro1663Leu)

Genes: IFT172 (intraflagellar transport 172; minus strand), KRTCAP3 (keratinocyte associated protein 3; plus strand). Cytogenetic location: 2p23.3.
Variant type: single nucleotide variant.
Coding change: c.4988C>T on transcript NM_015662.3 (MANE Select); coding-DNA position 4988, C replaced by T.
Protein change: p.Pro1663Leu; replaces proline 1663 with leucine.
Molecular consequence: missense variant. On other transcripts: intron variant (1).
Genome position (GRCh38, 1-based): chr2:27,445,376, G>A on the plus strand (C>T on the coding strand, the complement: IFT172 is on the minus strand). VCF-style: chr2-27445376-G-A. GRCh37 (hg19) VCF-style: chr2-27668243-G-A.
Other names: c.4922C>T, p.Pro1641Leu (NM_001410739.1); c.*6-925G>A (NM_001168364.2); short protein forms P1663L, P1641L.
Identifiers: ClinVar variation 1042137 (VCV001042137.13), dbSNP rs1357445568, ClinGen allele CA346413791.

ClinVar aggregate classification (germline): Uncertain significance. Review status: criteria provided, single submitter (1 of 4 stars). 4 submissions from 4 submitters: Uncertain significance (1). 3 of the submissions do not count toward it. Last evaluated 2020-09-16.

Conditions:
Short-rib thoracic dysplasia 10 with or without polydactyly (SRTD10). Identifiers: Orphanet 474, MedGen C3810175, MONDO:0014284, OMIM 615630.
Retinitis pigmentosa 71 (RP71). Identifiers: Orphanet 791, MedGen C4225342, MONDO:0014618, OMIM 616394.
Retinal dystrophy. Also called: Inherited retinal dystrophy. Identifiers: Orphanet 71862, MedGen C0854723, MeSH D058499, MONDO:0019118, HP:0000556.

Allele frequency attached by ClinVar (database versions not stated): gnomAD exomes below 0.00001.
gnomAD v4.1: 1 of 1,613,060 alleles (0.000062%); highest among the groups gnomAD compares: Non-Finnish European, 0.000085%; no homozygotes.

Submissions (4):

Labcorp Genetics (formerly Invitae), Labcorp
Classification: Uncertain significance for Retinitis pigmentosa 71; Short-rib thoracic dysplasia 10 with or without polydactyly. Last evaluated: 2020-09-16. Review status: criteria provided, single submitter. Criteria: Invitae Variant Classification Sherloc (09022015). Collection method: clinical testing. Allele origin: germline.
Comment: In summary, the available evidence is currently insufficient to determine the role of this variant in disease. Therefore, it has been classified as a Variant of Uncertain Significance. Algorithms developed to predict the effect of missense changes on protein structure and function are either unavailable or do not agree on the potential impact of this missense change (SIFT: "Tolerated"; PolyPhen-2: "Probably Damaging"; Align-GVGD: "Class C0"). This variant has not been reported in the literature in individuals with IFT172-related conditions. This variant is not present in population databases (ExAC no frequency). This sequence change replaces proline with leucine at codon 1663 of the IFT172 protein (p.Pro1663Leu). The proline residue is moderately conserved and there is a moderate physicochemical difference between proline and leucine.

Institute of Human Genetics, Univ. Regensburg, Univ. Regensburg
Classification: Uncertain significance for Retinal dystrophy. Last evaluated: 2016-01-01. Review status: no assertion criteria provided. Criteria: ACMG Guidelines, 2015. Collection method: clinical testing. Allele origin: germline. Affected: yes. Not counted in ClinVar's aggregate classification.

Clinical Genetics DNA and cytogenetics Diagnostics Lab, Erasmus MC, Erasmus Medical Center
Classification: Uncertain significance. Review status: no assertion criteria provided. Collection method: clinical testing. Allele origin: germline. Affected: yes. Study: VKGL Data-share Consensus. Not counted in ClinVar's aggregate classification.

Joint Genome Diagnostic Labs from Nijmegen and Maastricht, Radboudumc and MUMC+
Classification: Uncertain significance. Review status: no assertion criteria provided. Collection method: clinical testing. Allele origin: germline. Affected: yes. Study: VKGL Data-share Consensus. Not counted in ClinVar's aggregate classification.